The following is an entry in ClinVar:

ClinVar aggregate classification (germline): Pathogenic (1 of 4 stars; one submission).

Conditions:
Familial cancer of breast. Also called: Hereditary breast cancer; BREAST CANCER, FAMILIAL; hereditary breast carcinoma. Identifiers: Orphanet 227535, MedGen C0346153, MONDO:0016419, OMIM 114480. Disease mechanism: loss of function.

Submission:

Labcorp Genetics (formerly Invitae), Labcorp
Classification: Pathogenic for Familial cancer of breast. Last evaluated: 2019-03-11. Review status: criteria provided, single submitter. Criteria: Invitae Variant Classification Sherloc (09022015). Collection method: clinical testing. Allele origin: germline.
Comment: For these reasons, this variant has been classified as Pathogenic. Loss-of-function variants in CHEK2 are known to be pathogenic (PMID: 21876083, 24713400). This variant has not been reported in the literature in individuals with CHEK2-related conditions. This variant is not present in population databases (ExAC no frequency). This sequence change creates a premature translational stop signal (p.Thr133Glnfs*28) in the CHEK2 gene. It is expected to result in an absent or disrupted protein product.

Literature cited by the submitters: PubMed 21876083; PubMed 24713400.

NM_007194.4(CHEK2):c.397del (p.Thr133fs)

Gene: CHEK2 (checkpoint kinase 2; minus strand). Cytogenetic location: 22q12.1.
Variant type: Deletion.
Coding change: c.397del on transcript NM_007194.4 (MANE Select); coding-DNA position 397, one base deleted (A; older notation c.397delA).
Protein change: p.Thr133fs; shifts the reading frame from threonine 133.
Molecular consequence: frameshift variant.
Genome position (GRCh38, 1-based): chr22:28,725,290, T deleted on the plus strand (A on the coding strand, the reverse complement: CHEK2 is on the minus strand); the first of 2 consecutive T bases (chr22:28,725,290-28,725,291); deleting either gives the same sequence. VCF-style (leftmost placement, unchanged base first): chr22-28725289-GT-G. GRCh37 (hg19) VCF-style: chr22-29121277-GT-G.
Other names: c.525delA, p.Thr176Glnfs (NM_001005735.3); c.-382delA (NM_001257387.3); c.396delA, p.Thr133Glnfs (NM_001349956.3, NM_145862.3); short protein forms T176fs, T133fs.
Identifiers: ClinVar variation 863754 (VCV000863754.8), dbSNP rs2053960596, ClinGen allele CA916083807.